The following is an entry in ClinVar:

ClinVar aggregate classification (germline): Uncertain significance (1 of 4 stars; one submission).

Allele frequency attached by ClinVar (database versions not stated): gnomAD 0.00002; TOPMed 0.00002; ExAC 0.00003; gnomAD exomes 0.00003 and 0.00006.
gnomAD v4.1: 95 of 1,613,940 alleles (0.0059%); highest among the groups gnomAD compares: Non-Finnish European, 0.0076%; no homozygotes.

Submission:

GeneDx
Classification: Uncertain significance. Last evaluated: 2020-07-14. Review status: criteria provided, single submitter. Criteria: GeneDx Variant Classification Process June 2021. Collection method: clinical testing. Allele origin: germline. Affected: yes.
Comment: In silico analysis supports that this missense variant does not alter protein structure/function; Has not been previously published as pathogenic or benign to our knowledge

NM_001256071.3(RNF213):c.6808T>A (p.Ser2270Thr)

Gene: RNF213 (ring finger protein 213; plus strand). Cytogenetic location: 17q25.3.
Variant type: single nucleotide variant.
Coding change: c.6808T>A on transcript NM_001256071.3 (MANE Select); coding-DNA position 6808, T replaced by A.
Protein change: p.Ser2270Thr; replaces serine 2270 with threonine.
Molecular consequence: missense variant.
Genome position (GRCh38, 1-based): chr17:80,345,143, T>A. VCF-style: chr17-80345143-T-A. GRCh37 (hg19) VCF-style: chr17-78318943-T-A.
Other names: short protein forms S2270T.
Identifiers: ClinVar variation 1318504 (VCV001318504.2), dbSNP rs768083947, ClinGen allele CA8820609.